The following is an entry in ClinVar:

ClinVar aggregate classification (germline): Uncertain significance (1 of 4 stars; one submission).

Submission:

Labcorp Genetics (formerly Invitae), Labcorp
Classification: Uncertain significance. Last evaluated: 2024-08-07. Review status: criteria provided, single submitter. Criteria: Invitae Variant Classification Sherloc (09022015). Collection method: clinical testing. Allele origin: germline.
Comment: This sequence change replaces asparagine, which is neutral and polar, with aspartic acid, which is acidic and polar, at codon 619 of the RP1 protein (p.Asn619Asp). This variant is not present in population databases (gnomAD no frequency). This variant has not been reported in the literature in individuals affected with RP1-related conditions. An algorithm developed to predict the effect of missense changes on protein structure and function outputs the following: PolyPhen-2: "Benign". The aspartic acid amino acid residue is found in multiple mammalian species, which suggests that this missense change does not adversely affect protein function. In summary, the available evidence is currently insufficient to determine the role of this variant in disease. Therefore, it has been classified as a Variant of Uncertain Significance.

NM_006269.2(RP1):c.1855A>G (p.Asn619Asp)

Gene: RP1 (RP1 axonemal microtubule associated; plus strand). Cytogenetic location: 8q12.1.
Variant type: single nucleotide variant.
Coding change: c.1855A>G on transcript NM_006269.2 (MANE Select); coding-DNA position 1855, A replaced by G.
Protein change: p.Asn619Asp; replaces asparagine 619 with aspartic acid.
Molecular consequence: missense variant. On other transcripts: intron variant (1).
Genome position (GRCh38, 1-based): chr8:54,625,737, A>G. VCF-style: chr8-54625737-A-G. GRCh37 (hg19) VCF-style: chr8-55538297-A-G.
Other names: c.787+3449A>G (NM_001375654.1); short protein forms N619D.
Identifiers: ClinVar variation 3679934 (VCV003679934.2).